The following is an entry in ClinVar:

NM_006073.4(TRDN):c.1547G>C (p.Gly516Ala)

Gene: TRDN (triadin; minus strand). Cytogenetic location: 6q22.31.
Variant type: single nucleotide variant.
Coding change: c.1547G>C on transcript NM_006073.4 (MANE Select); coding-DNA position 1547, G replaced by C.
Protein change: p.Gly516Ala; replaces glycine 516 with alanine.
Molecular consequence: missense variant.
Genome position (GRCh38, 1-based): chr6:123,278,338, C>G on the plus strand (G>C on the coding strand, the complement: TRDN is on the minus strand). VCF-style: chr6-123278338-C-G. GRCh37 (hg19) VCF-style: chr6-123599483-C-G.
Other names: short protein forms G516A.
Identifiers: ClinVar variation 1016180 (VCV001016180.8), dbSNP rs145032876, ClinGen allele CA3983869.
Genomic context (GRCh38, chr6:123,278,338, plus strand): 5'-ACATGGAAATCATATATGTGTATAAATAAAATATACATACCTGGCTTCTCTTCCTTTTTT[C>G]CTTGTAGTTCTAAAAATATAGATGAACATTAGTAACAATGATTATAGAAAGATATTCATT-3'
Protein context (NP_006064.2, residues 506-526): EVKPKPPQLQ[Gly516Ala]KKEEKPEPQI

ClinVar aggregate classification (germline): Conflicting classifications of pathogenicity. Review status: criteria provided, conflicting classifications (1 of 4 stars). 2 submissions from 2 submitters: Uncertain significance (1); Likely benign (1). Last evaluated 2025-05-21.

Conditions:
Cardiovascular phenotype. Identifiers: MedGen CN230736.
Catecholaminergic polymorphic ventricular tachycardia 1. Also called: VENTRICULAR TACHYCARDIA, STRESS-INDUCED POLYMORPHIC 1; VENTRICULAR TACHYCARDIA, CATECHOLAMINERGIC POLYMORPHIC, 1, WITH OR WITHOUT ATRIAL DYSFUNCTION AND/OR DILATED CARDIOMYOPATHY; RYR2-Related Catecholaminergic Polymorphic Ventricular Tachycardia. Identifiers: Orphanet 3286, MedGen C1631597, MONDO:0011484, OMIM 604772.

Allele frequency attached by ClinVar (database versions not stated): TOPMed 0.00001; gnomAD 0.00002; 1000 Genomes Project 30x 0.00047; 1000 Genomes Project 0.00060.
gnomAD v4.1: 39 of 1,289,572 alleles (0.003%); highest among the groups gnomAD compares: East Asian, 0.11%; no homozygotes.

Submissions (2):

Ambry Genetics
Classification: Likely benign for Cardiovascular phenotype. Last evaluated: 2025-05-21. Review status: criteria provided, single submitter. Criteria: Ambry Variant Classification Scheme 2023. Collection method: clinical testing. Allele origin: germline.

Labcorp Genetics (formerly Invitae), Labcorp
Classification: Uncertain significance for Catecholaminergic polymorphic ventricular tachycardia 1. Last evaluated: 2022-04-28. Review status: criteria provided, single submitter. Criteria: Invitae Variant Classification Sherloc (09022015). Collection method: clinical testing. Allele origin: germline.
Comment: This sequence change replaces glycine, which is neutral and non-polar, with alanine, which is neutral and non-polar, at codon 516 of the TRDN protein (p.Gly516Ala). The frequency data for this variant in the population databases is considered unreliable, as metrics indicate poor data quality at this position in the gnomAD database. This variant has not been reported in the literature in individuals affected with TRDN-related conditions. ClinVar contains an entry for this variant (Variation ID: 1016180). Algorithms developed to predict the effect of missense changes on protein structure and function (SIFT, PolyPhen-2, Align-GVGD) all suggest that this variant is likely to be tolerated. In summary, the available evidence is currently insufficient to determine the role of this variant in disease. Therefore, it has been classified as a Variant of Uncertain Significance.